The following is an entry in ClinVar:

NM_000094.4(COL7A1):c.851A>C (p.Asn284Thr)

Gene: COL7A1 (collagen type VII alpha 1 chain; minus strand). Cytogenetic location: 3p21.31.
Variant type: single nucleotide variant.
Coding change: c.851A>C on transcript NM_000094.4 (MANE Select); coding-DNA position 851, A replaced by C.
Protein change: p.Asn284Thr; replaces asparagine 284 with threonine.
Molecular consequence: missense variant.
Genome position (GRCh38, 1-based): chr3:48,592,695, T>G on the plus strand (A>C on the coding strand, the complement: COL7A1 is on the minus strand). VCF-style: chr3-48592695-T-G. GRCh37 (hg19) VCF-style: chr3-48630128-T-G.
Other names: short protein forms N284T.
Identifiers: ClinVar variation 3695695 (VCV003695695.2).

ClinVar aggregate classification (germline): Uncertain significance (1 of 4 stars; one submission).

Submission:

Labcorp Genetics (formerly Invitae), Labcorp
Classification: Uncertain significance. Last evaluated: 2024-10-03. Review status: criteria provided, single submitter. Criteria: Invitae Variant Classification Sherloc (09022015). Collection method: clinical testing. Allele origin: germline.
Comment: This sequence change replaces asparagine, which is neutral and polar, with threonine, which is neutral and polar, at codon 284 of the COL7A1 protein (p.Asn284Thr). This variant is not present in population databases (gnomAD no frequency). This variant has not been reported in the literature in individuals affected with COL7A1-related conditions. Invitae Evidence Modeling of protein sequence and biophysical properties (such as structural, functional, and spatial information, amino acid conservation, physicochemical variation, residue mobility, and thermodynamic stability) indicates that this missense variant is not expected to disrupt COL7A1 protein function with a negative predictive value of 95%. In summary, the available evidence is currently insufficient to determine the role of this variant in disease. Therefore, it has been classified as a Variant of Uncertain Significance.